The following is an entry in ClinVar:

NM_000383.4(AIRE):c.434C>T (p.Ala145Val)

Gene: AIRE (autoimmune regulator; plus strand). Cytogenetic location: 21q22.3.
Variant type: single nucleotide variant.
Coding change: c.434C>T on transcript NM_000383.4 (MANE Select); coding-DNA position 434, C replaced by T.
Protein change: p.Ala145Val; replaces alanine 145 with valine.
Molecular consequence: missense variant.
Genome position (GRCh38, 1-based): chr21:44,287,104, C>T. VCF-style: chr21-44287104-C-T. GRCh37 (hg19) VCF-style: chr21-45706987-C-T.
Other names: p.Ala145Val; short protein forms A145V.
Identifiers: ClinVar variation 4542412 (VCV004542412.1).

ClinVar aggregate classification (germline): Uncertain significance (1 of 4 stars; one submission).

Submission:

Mayo Clinic Laboratories, Mayo Clinic
Classification: Uncertain significance. Last evaluated: 2025-09-03. Review status: criteria provided, single submitter. Criteria: ACMG Guidelines, 2015. Collection method: clinical testing. Allele origin: germline. Observed: 1 variant allele.
Comment: BP4_moderate, PM2_supporting